The following is an entry in ClinVar:

ClinVar aggregate classification (germline): Uncertain significance (1 of 4 stars; one submission).

Allele frequency attached by ClinVar (database versions not stated): gnomAD exomes below 0.00001.
gnomAD v4.1: 1 of 1,613,946 alleles (0.000062%); highest among the groups gnomAD compares: Non-Finnish European, 0.000085%; no homozygotes.

Submission:

Labcorp Genetics (formerly Invitae), Labcorp
Classification: Uncertain significance. Last evaluated: 2025-01-06. Review status: criteria provided, single submitter. Criteria: Invitae Variant Classification Sherloc (09022015). Collection method: clinical testing. Allele origin: germline.
Comment: This sequence change replaces aspartic acid, which is acidic and polar, with asparagine, which is neutral and polar, at codon 139 of the PPP2R1A protein (p.Asp139Asn). This variant is not present in population databases (gnomAD no frequency). This variant has not been reported in the literature in individuals affected with PPP2R1A-related conditions. ClinVar contains an entry for this variant (Variation ID: 1511799). Invitae Evidence Modeling of protein sequence and biophysical properties (such as structural, functional, and spatial information, amino acid conservation, physicochemical variation, residue mobility, and thermodynamic stability) indicates that this missense variant is expected to disrupt PPP2R1A protein function with a positive predictive value of 80%. In summary, the available evidence is currently insufficient to determine the role of this variant in disease. Therefore, it has been classified as a Variant of Uncertain Significance.

NM_014225.6(PPP2R1A):c.415G>A (p.Asp139Asn)

Gene: PPP2R1A (protein phosphatase 2 scaffold subunit Aalpha; plus strand). Cytogenetic location: 19q13.41.
Variant type: single nucleotide variant.
Coding change: c.415G>A on transcript NM_014225.6 (MANE Select); coding-DNA position 415, G replaced by A.
Protein change: p.Asp139Asn; replaces aspartic acid 139 with asparagine.
Molecular consequence: missense variant. On other transcripts: 5 prime UTR variant (1), non-coding transcript variant (1).
Genome position (GRCh38, 1-based): chr19:52,211,404, G>A. VCF-style: chr19-52211404-G-A. GRCh37 (hg19) VCF-style: chr19-52714657-G-A.
Other names: c.-123G>A (NM_001363656.2); short protein forms D139N.
Identifiers: ClinVar variation 1511799 (VCV001511799.6), dbSNP rs2122329858, ClinGen allele CA407182663.
Genomic context (GRCh38, chr19:52,211,404, plus strand): 5'-CACTCGCCCTCTGACCTGGAGGCGCACTTTGTGCCGCTAGTGAAGCGGCTGGCGGGCGGC[G>A]ACTGGTTCACCTCCCGCACCTCGGCCTGCGGCCTCTTCTCCGTCTGCTACCCCCGAGTGT-3'
Protein context (NP_055040.2, residues 129-149): VPLVKRLAGG[Asp139Asn]WFTSRTSACG